The following is an entry in ClinVar:

NM_020975.6(RET):c.2002C>G (p.Pro668Ala)

Gene: RET (ret proto-oncogene; plus strand). Cytogenetic location: 10q11.21.
Variant type: single nucleotide variant.
Coding change: c.2002C>G on transcript NM_020975.6 (MANE Select); coding-DNA position 2002, C replaced by G.
Protein change: p.Pro668Ala; replaces proline 668 with alanine.
Molecular consequence: missense variant. On other transcripts: intron variant (4).
Genome position (GRCh38, 1-based): chr10:43,114,602, C>G. VCF-style: chr10-43114602-C-G. GRCh37 (hg19) VCF-style: chr10-43610050-C-G.
Other names: c.1240C>G, p.Pro414Ala (NM_001355216.2); c.2002C>G, p.Pro668Ala (NM_001406743.1, NM_001406744.1, NM_001406759.1 and 2 more transcripts); c.1873C>G, p.Pro625Ala (NM_001406761.1, NM_001406762.1, NM_001406764.1); c.985C>G, p.Pro329Ala (NM_001406785.1); c.976C>G, p.Pro326Ala (NM_001406786.1, NM_001406783.1); c.817C>G, p.Pro273Ala (NM_001406788.1, NM_001406789.1, NM_001406790.1); c.697C>G, p.Pro233Ala (NM_001406791.1); c.553C>G, p.Pro185Ala (NM_001406792.1, NM_001406793.1, NM_001406794.1); and 10 more; short protein forms P233A, P326A, P493A, P185A, P273A, P369A, P414A, P572A.
Identifiers: ClinVar variation 4844013 (VCV004844013.1).

ClinVar aggregate classification (germline): Uncertain significance (1 of 4 stars; one submission).

Conditions:
Hereditary cancer-predisposing syndrome. Also called: Neoplastic Syndromes, Hereditary; Tumor predisposition; Hereditary Cancer Syndrome; Hereditary neoplastic syndrome. Identifiers: Orphanet 140162, MedGen C0027672, MeSH D009386, MONDO:0015356.

Submission:

Ambry Genetics
Classification: Uncertain significance for Hereditary cancer-predisposing syndrome. Last evaluated: 2025-12-29. Review status: criteria provided, single submitter. Criteria: Ambry Variant Classification Scheme 2023. Collection method: clinical testing. Allele origin: germline.
Comment: The p.P668A variant (also known as c.2002C>G), located in coding exon 11 of the RET gene, results from a C to G substitution at nucleotide position 2002. The proline at codon 668 is replaced by alanine, an amino acid with highly similar properties. This amino acid position is conserved. In addition, the in silico prediction for this alteration is inconclusive. Based on the available evidence, the clinical significance of this variant remains unclear.